The following is an entry in ClinVar:

ClinVar aggregate classification (germline): Benign/Likely benign. Review status: criteria provided, multiple submitters, no conflicts (2 of 4 stars). 3 submissions from 3 submitters: Benign (2); Likely benign (1). Last evaluated 2021-05-14.

Conditions:
Autosomal recessive early-onset Parkinson disease 6 (PARK6). Also called: PARKINSON DISEASE 6, EARLY-ONSET; PINK1 Type of Young-Onset Parkinson Disease; PINK1-Related Parkinson Disease; PARKINSON DISEASE 6, MODIFIER OF. Identifiers: Orphanet 2828, MedGen C1853833, MONDO:0011613, OMIM 605909.

Allele frequency attached by ClinVar (database versions not stated): gnomAD exomes 0.26593; TOPMed 0.26765; gnomAD 0.27404 and 0.27737; 1000 Genomes Project 30x 0.29388; 1000 Genomes Project 0.29992.
gnomAD v4.1: 45,810 of 165,700 alleles (28%); highest among the groups gnomAD compares: South Asian, 38%; 6,601 homozygotes.

Submissions (3):

GeneDx
Classification: Benign. Last evaluated: 2021-05-14. Review status: criteria provided, single submitter. Criteria: GeneDx Variant Classification Process June 2021. Collection method: clinical testing. Allele origin: germline. Affected: yes.

Illumina Laboratory Services, Illumina
Classification: Benign for Autosomal recessive early-onset Parkinson disease 6. Last evaluated: 2018-01-12. Review status: criteria provided, single submitter. Criteria: ICSL Variant Classification Criteria 13 December 2019. Collection method: clinical testing. Allele origin: germline.
Comment: This variant was observed in the ICSL laboratory as part of a predisposition screen in an ostensibly healthy population. It had not been previously curated by ICSL or reported in the Human Gene Mutation Database (HGMD: prior to June 1st, 2018), and was therefore a candidate for classification through an automated scoring system. Utilizing variant allele frequency, disease prevalence and penetrance estimates, and inheritance mode, an automated score was calculated to assess if this variant is too frequent to cause the disease. Based on the score and internal cut-off values, a variant classified as benign is not then subjected to further curation. The score for this variant resulted in a classification of benign for this disease.

Breakthrough Genomics
Classification: Likely benign. Review status: criteria provided, single submitter. Criteria: ACMG Guidelines, 2015. Collection method: not provided. Allele origin: germline. Inheritance: Autosomal recessive inheritance. Affected: yes.

NM_032409.3(PINK1):c.*564T>G

Genes: PINK1 (PTEN induced kinase 1; plus strand), PINK1-AS (PINK1 antisense RNA; minus strand). Cytogenetic location: 1p36.12.
Variant type: single nucleotide variant.
Coding change: c.*564T>G on transcript NM_032409.3 (MANE Select); 564 bases downstream of the stop codon, T replaced by G.
Molecular consequence: 3 prime UTR variant. On other transcripts: non-coding transcript variant (1).
Genome position (GRCh38, 1-based): chr1:20,651,255, T>G. VCF-style: chr1-20651255-T-G. GRCh37 (hg19) VCF-style: chr1-20977748-T-G.
Identifiers: ClinVar variation 295024 (VCV000295024.8), dbSNP rs1043502, ClinGen allele CA10609560.
Genomic context (GRCh38, chr1:20,651,255, plus strand): 5'-CTTAGCGAAAGTGACGGATGAGCAGTAAGTAAGTAAGTGTGGGGATTTAAACTTGAGGGT[T>G]TCCCTCCTGACTAGCCTCTCTTACAGGAATTGTGAAATATTAAATGCAAATTTACAACTG-3'